The following is an entry in ClinVar:

NM_001256789.3(CACNA1F):c.742A>G (p.Ile248Val)

Gene: CACNA1F (calcium voltage-gated channel subunit alpha1 F; minus strand). Cytogenetic location: Xp11.23.
Variant type: single nucleotide variant.
Coding change: c.742A>G on transcript NM_001256789.3 (MANE Select); coding-DNA position 742, A replaced by G.
Protein change: p.Ile248Val; replaces isoleucine 248 with valine.
Molecular consequence: missense variant.
Genome position (GRCh38, 1-based): chrX:49,230,295, T>C on the plus strand (A>G on the coding strand, the complement: CACNA1F is on the minus strand). VCF-style: chrX-49230295-T-C. GRCh37 (hg19) VCF-style: chrX-49086757-T-C.
Other names: c.547A>G, p.Ile183Val (NM_001256790.3); c.742A>G, p.Ile248Val (NM_005183.4); short protein forms I183V, I248V.
Identifiers: ClinVar variation 2420977 (VCV002420977.6), dbSNP rs782366870, ClinGen allele CA10411029.

ClinVar aggregate classification (germline): Uncertain significance (1 of 4 stars; one submission).

Allele frequency attached by ClinVar (database versions not stated): gnomAD exomes 0.00001; TOPMed 0.00001; gnomAD 0.00004; ExAC 0.00006; 1000 Genomes Project 30x 0.00021; 1000 Genomes Project 0.00026.
gnomAD v4.1: 17 of 1,205,366 alleles (0.0014%); highest among the groups gnomAD compares: East Asian, 0.024%; no homozygotes.

Submission:

Labcorp Genetics (formerly Invitae), Labcorp
Classification: Uncertain significance. Last evaluated: 2022-06-29. Review status: criteria provided, single submitter. Criteria: Invitae Variant Classification Sherloc (09022015). Collection method: clinical testing. Allele origin: germline.
Comment: This sequence change replaces isoleucine, which is neutral and non-polar, with valine, which is neutral and non-polar, at codon 248 of the CACNA1F protein (p.Ile248Val). This variant is present in population databases (rs782366870, gnomAD 0.04%). In summary, the available evidence is currently insufficient to determine the role of this variant in disease. Therefore, it has been classified as a Variant of Uncertain Significance. Algorithms developed to predict the effect of missense changes on protein structure and function are either unavailable or do not agree on the potential impact of this missense change (SIFT: "Deleterious"; PolyPhen-2: "Probably Damaging"; Align-GVGD: "Class C0"). This variant has not been reported in the literature in individuals affected with CACNA1F-related conditions.